The following is an entry in ClinVar:

NM_170682.4(P2RX2):c.695C>T (p.Ser232Phe)

Gene: P2RX2 (purinergic receptor P2X 2; plus strand). Cytogenetic location: 12q24.33.
Variant type: single nucleotide variant.
Coding change: c.695C>T on transcript NM_170682.4 (MANE Select); coding-DNA position 695, C replaced by T.
Protein change: p.Ser232Phe; replaces serine 232 with phenylalanine.
Molecular consequence: missense variant. On other transcripts: synonymous variant (1).
Genome position (GRCh38, 1-based): chr12:132,620,504, C>T. VCF-style: chr12-132620504-C-T. GRCh37 (hg19) VCF-style: chr12-133197090-C-T.
Other names: c.588C>T, p.Leu196= (NM_001282164.2); c.695C>T, p.Ser232Phe (NM_001282165.2, NM_170683.4, NM_174873.3); c.479C>T, p.Ser160Phe (NM_012226.5); c.623C>T, p.Ser208Phe (NM_016318.4); c.419C>T, p.Ser140Phe (NM_174872.3); c.695C>T (NM_170683.2); short protein forms S140F, S208F, S232F, S160F.
Identifiers: ClinVar variation 3713527 (VCV003713527.3).

ClinVar aggregate classification (germline): Uncertain significance. Review status: criteria provided, multiple submitters, no conflicts (2 of 4 stars). 2 submissions from 2 submitters: Uncertain significance (2). Last evaluated 2025-03-20.

gnomAD v4.1: 12 of 1,613,944 alleles (0.00074%); highest among the groups gnomAD compares: Admixed American, 0.01%; no homozygotes.

Submissions (2):

Ambry Genetics
Classification: Uncertain significance. Last evaluated: 2025-03-20. Review status: criteria provided, single submitter. Criteria: Ambry Variant Classification Scheme 2023. Collection method: clinical testing. Allele origin: germline.

Labcorp Genetics (formerly Invitae), Labcorp
Classification: Uncertain significance. Last evaluated: 2024-07-16. Review status: criteria provided, single submitter. Criteria: Invitae Variant Classification Sherloc (09022015). Collection method: clinical testing. Allele origin: germline.
Comment: This sequence change replaces serine, which is neutral and polar, with phenylalanine, which is neutral and non-polar, at codon 232 of the P2RX2 protein (p.Ser232Phe). This variant is present in population databases (no rsID available, gnomAD 0.003%). This variant has not been reported in the literature in individuals affected with P2RX2-related conditions. Advanced modeling of protein sequence and biophysical properties (such as structural, functional, and spatial information, amino acid conservation, physicochemical variation, residue mobility, and thermodynamic stability) performed at Invitae indicates that this missense variant is not expected to disrupt P2RX2 protein function with a negative predictive value of 80%. In summary, the available evidence is currently insufficient to determine the role of this variant in disease. Therefore, it has been classified as a Variant of Uncertain Significance.